The following is an entry in ClinVar:

NM_001252102.2(KIF21B):c.713T>G (p.Met238Arg)

Gene: KIF21B (kinesin family member 21B; minus strand). Cytogenetic location: 1q32.1.
Variant type: single nucleotide variant.
Coding change: c.713T>G on transcript NM_001252102.2 (MANE Select); coding-DNA position 713, T replaced by G.
Protein change: p.Met238Arg; replaces methionine 238 with arginine.
Molecular consequence: missense variant.
Genome position (GRCh38, 1-based): chr1:201,005,327, A>C on the plus strand (T>G on the coding strand, the complement: KIF21B is on the minus strand). VCF-style: chr1-201005327-A-C. GRCh37 (hg19) VCF-style: chr1-200974455-A-C.
Other names: c.713T>G, p.Met238Arg (NM_001252100.2, NM_001252103.2, NM_017596.4); short protein forms M238R.
Identifiers: ClinVar variation 1804466 (VCV001804466.2), dbSNP rs1657750167, ClinGen allele CA344114003.

ClinVar aggregate classification (germline): Uncertain significance (1 of 4 stars; one submission).

Allele frequency attached by ClinVar (database versions not stated): gnomAD 0.00001; TOPMed 0.00001.

Submission:

GeneDx
Classification: Uncertain significance. Last evaluated: 2023-01-31. Review status: criteria provided, single submitter. Criteria: GeneDx Variant Classification Process June 2021. Collection method: clinical testing. Allele origin: germline.
Comment: Not observed at significant frequency in large population cohorts (gnomAD); In silico analysis supports that this missense variant has a deleterious effect on protein structure/function; In silico analysis suggests this variant may impact gene splicing. In the absence of RNA/functional studies, the actual effect of this sequence change is unknown.; Has not been previously published as pathogenic or benign to our knowledge